The following is an entry in ClinVar:

ClinVar aggregate classification (germline): Likely pathogenic (1 of 4 stars; one submission).

Conditions:
Neurodegeneration, infantile-onset, biotin-responsive. Also called: SODIUM-DEPENDENT MULTIVITAMIN TRANSPORTER DEFICIENCY; SMVT DEFICIENCY. Identifiers: Orphanet 521268, MedGen C5436520, MONDO:0033546, OMIM 618973.

Submission:

3billion
Classification: Likely pathogenic for Neurodegeneration, infantile-onset, biotin-responsive. Last evaluated: 2024-10-18. Review status: criteria provided, single submitter. Criteria: ACMG Guidelines, 2015. Collection method: clinical testing. Allele origin: germline. Affected: yes.
Comment: The variant is not observed in the gnomAD v4.1.0 dataset. Predicted Consequence/Location: Canonical splice site: predicted to alter splicing and result in a loss or disruption of normal protein function. Multiple pathogenic loss-of-function variants are reported downstream of the variant. In silico tools predict the variant to alter splicing and produce an abnormal transcript [SpliceAI: 0.93 (spliceogenicity >=0.2, non-spliceogenicity <0.1)]. Therefore, this variant is classified as Likely pathogenic according to the recommendation of ACMG/AMP guideline.

NM_021095.4(SLC5A6):c.1648+2T>G

Gene: SLC5A6 (solute carrier family 5 member 6; minus strand). Cytogenetic location: 2p23.3.
Variant type: single nucleotide variant.
Coding change: c.1648+2T>G on transcript NM_021095.4 (MANE Select); the canonical splice donor site of the intron after coding-DNA position 1648, T replaced by G.
Molecular consequence: splice donor variant.
Genome position (GRCh38, 1-based): chr2:27,201,348, A>C on the plus strand (T>G on the coding strand, the complement: SLC5A6 is on the minus strand). VCF-style: chr2-27201348-A-C. GRCh37 (hg19) VCF-style: chr2-27424216-A-C.
Identifiers: ClinVar variation 4291821 (VCV004291821.1).
Genomic context (GRCh38, chr2:27,201,348, plus strand): 5'-GTCCCTTAGGGCCCTCTGTTAACCCCTCGGTGCTCATCTGCACCGCAATCCCACACCCTT[A>C]CCAGTGAGTAGACTGACAATCAGGCCCACCACAATCACTGTGGTGGAGTTGTGAGCACTG-3'